The following is an entry in ClinVar:

NM_006648.4(WNK2):c.257C>T (p.Ala86Val)

Gene: WNK2 (WNK lysine deficient protein kinase 2; plus strand). Cytogenetic location: 9q22.31.
Variant type: single nucleotide variant.
Coding change: c.257C>T on transcript NM_006648.4 (MANE Select); coding-DNA position 257, C replaced by T.
Protein change: p.Ala86Val; replaces alanine 86 with valine.
Molecular consequence: missense variant.
Genome position (GRCh38, 1-based): chr9:93,185,186, C>T. VCF-style: chr9-93185186-C-T. GRCh37 (hg19) VCF-style: chr9-95947468-C-T.
Other names: c.257C>T, p.Ala86Val (NM_001282394.3); short protein forms A86V.
Identifiers: ClinVar variation 3981822 (VCV003981822.1).
Genomic context (GRCh38, chr9:93,185,186, plus strand): 5'-AGCCCCCGCAGCCCCTGCAGCGCCGGGTGCTTCTGCTCTGCAAGACGCGCCGCCTCATCG[C>T]GGAGCGCGCCCGCGGACGCCCCGCCGCCCCCGCGCCCGCAGCGCTGGTAGCGCAGCCGGG-3'
Protein context (NP_006639.3, residues 76-96): LLLCKTRRLI[Ala86Val]ERARGRPAAP

ClinVar aggregate classification (germline): Uncertain significance (1 of 4 stars; one submission).

gnomAD v4.1: 3 of 1,183,414 alleles (0.00025%); highest among the groups gnomAD compares: Non-Finnish European, 0.00031%; no homozygotes.

Submission:

Ambry Genetics
Classification: Uncertain significance. Last evaluated: 2025-04-06. Review status: criteria provided, single submitter. Criteria: Ambry Variant Classification Scheme 2023. Collection method: clinical testing. Allele origin: germline.
Comment: The p.A86V variant (also known as c.257C>T), located in coding exon 1 of the WNK2 gene, results from a C to T substitution at nucleotide position 257. The alanine at codon 86 is replaced by valine, an amino acid with similar properties. This amino acid position is conserved. In addition, this alteration is predicted to be tolerated by in silico analysis. Based on the available evidence, the clinical significance of this variant remains unclear.